The following is an entry in ClinVar:

NM_000186.4(CFH):c.1015A>C (p.Asn339His)

Gene: CFH (complement factor H; plus strand). Cytogenetic location: 1q31.3.
Variant type: single nucleotide variant.
Coding change: c.1015A>C on transcript NM_000186.4 (MANE Select); coding-DNA position 1015, A replaced by C.
Protein change: p.Asn339His; replaces asparagine 339 with histidine.
Molecular consequence: missense variant.
Genome position (GRCh38, 1-based): chr1:196,689,470, A>C. VCF-style: chr1-196689470-A-C. GRCh37 (hg19) VCF-style: chr1-196658600-A-C.
Other names: c.1015A>C, p.Asn339His (NM_001014975.3); short protein forms N339H.
Identifiers: ClinVar variation 4540439 (VCV004540439.1).

ClinVar aggregate classification (germline): Uncertain significance (1 of 4 stars; one submission).

Conditions:
Hemolytic uremic syndrome, atypical, susceptibility to, 1. Also called: AHUS, SUSCEPTIBILITY TO, 1. Identifiers: Orphanet 2134, Orphanet 90038, MedGen C2749604, MONDO:0009335, OMIM 235400. Disease mechanism: Other.

gnomAD v4.1: 4 of 1,613,406 alleles (0.00025%); highest among the groups gnomAD compares: Non-Finnish European, 0.00034%; no homozygotes.

Submission:

MVZ Medizinische Genetik Mainz
Classification: Uncertain significance for Hemolytic uremic syndrome, atypical, susceptibility to, 1. Last evaluated: 2025-11-20. Review status: criteria provided, single submitter. Criteria: UK Practice Guidelines For Variant Classification V4 01 2020. Collection method: clinical testing. Allele origin: germline. Inheritance: Autosomal dominant inheritance. Affected: yes. Observed: 1 variant allele.
Comment: ACMG Criteria: PM2_SUP,BP4